The following is an entry in ClinVar:

ClinVar aggregate classification (germline): Uncertain significance. Review status: criteria provided, multiple submitters, no conflicts (2 of 4 stars). 2 submissions from 2 submitters: Uncertain significance (2). Last evaluated 2025-12-15.

Conditions:
Perry syndrome. Also called: PARKINSONISM WITH ALVEOLAR HYPOVENTILATION AND MENTAL DEPRESSION. Identifiers: Orphanet 178509, MedGen C1868594, MONDO:0008201, OMIM 168605.
Amyotrophic lateral sclerosis type 1 (ALS1). Also called: AMYOTROPHIC LATERAL SCLEROSIS 1, FAMILIAL. Identifiers: Orphanet 803, MedGen C1862939, MONDO:0007103, OMIM 105400.
Neuronopathy, distal hereditary motor, type 7B. Also called: Distal Hereditary Motor Neuronopathy Type 7B (dHMN7B); NEURONOPATHY, DISTAL HEREDITARY MOTOR, AUTOSOMAL DOMINANT 14; NEURONOPATHY, DISTAL HEREDITARY MOTOR, HARDING TYPE VIIB; NEUROPATHY, DISTAL HEREDITARY MOTOR, HARDING TYPE VIIB; NEUROPATHY, DISTAL HEREDITARY MOTOR, WITH VOCAL CORD PARALYSIS, HARDING TYPE VIIB; HMN VIIB. Identifiers: Orphanet 139589, MedGen C1843315, MONDO:0011879, OMIM 607641.
DCTN1-related disorder. Also called: DCTN1-related condition.

gnomAD v4.1: 1 of 1,614,194 alleles (0.000062%); highest among the groups gnomAD compares: Non-Finnish European, 0.000085%; no homozygotes.

Submissions (2):

PreventionGenetics, part of Exact Sciences
Classification: Uncertain significance for DCTN1-related condition. Last evaluated: 2025-12-15. Review status: criteria provided, single submitter. Criteria: ACMG Guidelines, 2015. Collection method: clinical testing. Allele origin: germline.
Comment: The DCTN1 c.2020C>A variant is predicted to result in the amino acid substitution p.Leu674Ile. To our knowledge, this variant has not been reported in the literature. This variant is reported in 0.00088% of alleles in individuals of European (non-Finnish) descent in gnomAD. At this time, the clinical significance of this variant is uncertain due to the absence of conclusive functional and genetic evidence.

Labcorp Genetics (formerly Invitae), Labcorp
Classification: Uncertain significance for Amyotrophic lateral sclerosis type 1; Neuronopathy, distal hereditary motor, type 7B; Perry syndrome. Last evaluated: 2024-09-28. Review status: criteria provided, single submitter. Criteria: Invitae Variant Classification Sherloc (09022015). Collection method: clinical testing. Allele origin: germline.
Comment: This sequence change replaces leucine, which is neutral and non-polar, with isoleucine, which is neutral and non-polar, at codon 674 of the DCTN1 protein (p.Leu674Ile). This variant is present in population databases (no rsID available, gnomAD 0.0009%). This variant has not been reported in the literature in individuals affected with DCTN1-related conditions. Invitae Evidence Modeling of protein sequence and biophysical properties (such as structural, functional, and spatial information, amino acid conservation, physicochemical variation, residue mobility, and thermodynamic stability) indicates that this missense variant is not expected to disrupt DCTN1 protein function with a negative predictive value of 80%. In summary, the available evidence is currently insufficient to determine the role of this variant in disease. Therefore, it has been classified as a Variant of Uncertain Significance.

NM_004082.5(DCTN1):c.2020C>A (p.Leu674Ile)

Gene: DCTN1 (dynactin subunit 1; minus strand). Cytogenetic location: 2p13.1.
Variant type: single nucleotide variant.
Coding change: c.2020C>A on transcript NM_004082.5 (MANE Select); coding-DNA position 2020, C replaced by A.
Protein change: p.Leu674Ile; replaces leucine 674 with isoleucine.
Molecular consequence: missense variant. On other transcripts: non-coding transcript variant (1).
Genome position (GRCh38, 1-based): chr2:74,367,860, G>T on the plus strand (C>A on the coding strand, the complement: DCTN1 is on the minus strand). VCF-style: chr2-74367860-G-T. GRCh37 (hg19) VCF-style: chr2-74594987-G-T.
Other names: c.1960C>A, p.Leu654Ile (NM_001135040.3); c.1618C>A, p.Leu540Ile (NM_001135041.3, NM_023019.4); c.1909C>A, p.Leu637Ile (NM_001190836.2); c.1999C>A, p.Leu667Ile (NM_001190837.2); c.1969C>A, p.Leu657Ile (NM_001378991.1); c.1951C>A, p.Leu651Ile (NM_001378992.1); short protein forms L674I, L657I, L654I, L540I, L637I, L651I, L667I.
Identifiers: ClinVar variation 2925205 (VCV002925205.4), dbSNP rs368531137, ClinGen allele CA347351495.